The following is an entry in ClinVar:

ClinVar aggregate classification (germline): Likely benign. Review status: criteria provided, single submitter (1 of 4 stars). 2 submissions from 2 submitters: Likely benign (1). 1 of the submissions does not count toward it. Last evaluated 2023-02-03.

Conditions:
FANCI-related disorder. Also called: FANCI-related condition.
Fanconi anemia (FA). Also called: Fanconi's anemia. Identifiers: Orphanet 84, MedGen C0015625, MeSH D005199, MONDO:0019391.

Submissions (2):

Labcorp Genetics (formerly Invitae), Labcorp
Classification: Likely benign for Fanconi anemia. Last evaluated: 2023-02-03. Review status: criteria provided, single submitter. Criteria: Invitae Variant Classification Sherloc (09022015). Collection method: clinical testing. Allele origin: germline.

PreventionGenetics, part of Exact Sciences
Classification: Likely benign for FANCI-related condition. Last evaluated: 2019-08-06. Review status: no assertion criteria provided. Collection method: clinical testing. Allele origin: germline. Not counted in ClinVar's aggregate classification.
Comment: This variant is classified as likely benign based on ACMG/AMP sequence variant interpretation guidelines (Richards et al. 2015 PMID: 25741868, with internal and published modifications).

NM_001113378.2(FANCI):c.3256-9_3256-8del

Gene: FANCI (FA complementation group I; plus strand). Cytogenetic location: 15q26.1.
Variant type: Deletion.
Coding change: c.3256-9_3256-8del on transcript NM_001113378.2 (MANE Select); 9 bases into the intron before coding-DNA position 3256 through 8 bases into the intron before coding-DNA position 3256, 2 bases deleted (TT; older notation c.3256-9_3256-8delTT).
Molecular consequence: intron variant.
Genome position (GRCh38, 1-based): chr15:89,305,596-89,305,597, TT deleted; deleting any 2 consecutive bases within chr15:89,305,594-89,305,597 gives the same sequence; the c. name uses the placement nearest the transcript's 3' end. VCF-style (leftmost placement, unchanged base first): chr15-89305593-CTT-C. GRCh37 (hg19) VCF-style: chr15-89848824-CTT-C.
Other names: c.3076-9_3076-8del (NM_018193.3); c.3256-9_3256-8del (NM_001376911.1); c.2977-9_2977-8del (NM_001376910.1); c.3256-9_3256-8delTT (NM_001113378.1).
Identifiers: ClinVar variation 1112770 (VCV001112770.11), dbSNP rs752376850, ClinGen allele CA7723664.